The following is an entry in ClinVar:

ClinVar aggregate classification (germline): Conflicting classifications of pathogenicity. Review status: criteria provided, conflicting classifications (1 of 4 stars). 2 submissions from 2 submitters: Pathogenic (1); Uncertain significance (1). Last evaluated 2023-05-21.

Conditions:
Mucopolysaccharidosis, MPS-III-B (MPS3B). Also called: N-ACETYL-ALPHA-D-GLUCOSAMINIDASE DEFICIENCY; NAGLU DEFICIENCY; SANFILIPPO SYNDROME B; MPS III B; Mucopolysaccharidosis type IIIB (Sanfilippo B); MPS IIIB (Sanfilippo Syndrome Type B). Identifiers: Orphanet 79270, MedGen C0086648, MONDO:0009656, OMIM 252920.
Charcot-Marie-Tooth disease axonal type 2V. Also called: CHARCOT-MARIE-TOOTH NEUROPATHY, TYPE 2V; CHARCOT-MARIE-TOOTH DISEASE, AXONAL, AUTOSOMAL DOMINANT, TYPE 2V. Identifiers: Orphanet 447964, MedGen C5569050, MONDO:0014665, OMIM 616491.

Allele frequency attached by ClinVar (database versions not stated): gnomAD exomes below 0.00001.

Submissions (2):

Labcorp Genetics (formerly Invitae), Labcorp
Classification: Pathogenic for Charcot-Marie-Tooth disease axonal type 2V; Mucopolysaccharidosis, MPS-III-B. Last evaluated: 2023-05-21. Review status: criteria provided, single submitter. Criteria: Invitae Variant Classification Sherloc (09022015). Collection method: clinical testing. Allele origin: germline.
Comment: This sequence change creates a premature translational stop signal (p.Gln355*) in the NAGLU gene. While this is not anticipated to result in nonsense mediated decay, it is expected to disrupt the last 389 amino acid(s) of the NAGLU protein. This variant is not present in population databases (gnomAD no frequency). This variant has not been reported in the literature in individuals affected with NAGLU-related conditions. ClinVar contains an entry for this variant (Variation ID: 2022346). Algorithms developed to predict the effect of sequence changes on RNA splicing suggest that this variant may create or strengthen a splice site. This variant disrupts a region of the NAGLU protein in which other variant(s) (p.Gln706*) have been determined to be pathogenic (PMID: 9443875, 29661560). This suggests that this is a clinically significant region of the protein, and that variants that disrupt it are likely to be disease-causing. For these reasons, this variant has been classified as Pathogenic.

Neuberg Centre For Genomic Medicine, NCGM
Classification: Uncertain significance for Mucopolysaccharidosis, MPS-III-B. Review status: criteria provided, single submitter. Criteria: ACMG Guidelines, 2015. Collection method: clinical testing. Allele origin: germline. Inheritance: Autosomal recessive inheritance. Affected: yes.
Comment: The stop gain variant c.1063C>T (p.Gln355Ter) has not been reported previously as a pathogenic variant nor as a benign variant, to our knowledge. The variant is novel (not in any individuals) in gnomAD Exomes and 1000 Genomes databases. Loss of function variants have been previously reported to be disease causing. However since this variant is present in the last exon functional studies will be required to prove protein truncation. Hence the variant is classified as Uncertain Significance.

Literature cited by the submitters: PubMed 9443875 (cited by Labcorp Genetics (formerly Invitae), Labcorp); PubMed 29661560 (cited by Labcorp Genetics (formerly Invitae), Labcorp).

NM_000263.4(NAGLU):c.1063C>T (p.Gln355Ter)

Gene: NAGLU (N-acetyl-alpha-glucosaminidase; plus strand). Cytogenetic location: 17q21.2.
Variant type: single nucleotide variant.
Coding change: c.1063C>T on transcript NM_000263.4 (MANE Select); coding-DNA position 1063, C replaced by T.
Protein change: p.Gln355Ter; replaces glutamine 355 with a stop codon.
Molecular consequence: nonsense.
Genome position (GRCh38, 1-based): chr17:42,543,069, C>T. VCF-style: chr17-42543069-C-T. GRCh37 (hg19) VCF-style: chr17-40695087-C-T.
Other names: short protein forms Q355*.
Identifiers: ClinVar variation 2022346 (VCV002022346.4), dbSNP rs774687078, ClinGen allele CA399600983.
Genomic context (GRCh38, chr17:42,543,069, plus strand): 5'-CCCTACCTCCTGTCCACAGTGGATACTGAGGCTGTGTGGCTGCTCCAAGGCTGGCTCTTC[C>T]AGCACCAGCCGCAGTTCTGGGGGCCCGCCCAGATCAGGGCTGTGCTGGGAGCTGTGCCCC-3'